The following is an entry in ClinVar:

NM_000476.3(AK1):c.121G>A (p.Asp41Asn)

Genes: AK1 (adenylate kinase 1; minus strand), ST6GALNAC4-ST6GALNAC6-AK1 (ST6GALNAC4-ST6GALNAC6-AK1 readthrough; minus strand). Cytogenetic location: 9q34.11.
Variant type: single nucleotide variant.
Coding change: c.121G>A on transcript NM_000476.3 (MANE Select); coding-DNA position 121, G replaced by A.
Protein change: p.Asp41Asn; replaces aspartic acid 41 with asparagine.
Molecular consequence: missense variant. On other transcripts: non-coding transcript variant (8).
Genome position (GRCh38, 1-based): chr9:127,872,776, C>T on the plus strand (G>A on the coding strand, the complement: AK1 is on the minus strand). VCF-style: chr9-127872776-C-T. GRCh37 (hg19) VCF-style: chr9-130635055-C-T.
Other names: c.121G>A, p.Asp41Asn (NM_001318121.1); c.169G>A, p.Asp57Asn (NM_001318122.2); short protein forms D41N, D57N.
Identifiers: ClinVar variation 3607479 (VCV003607479.2).

ClinVar aggregate classification (germline): Uncertain significance (1 of 4 stars; one submission).

Submission:

Labcorp Genetics (formerly Invitae), Labcorp
Classification: Uncertain significance. Last evaluated: 2024-10-22. Review status: criteria provided, single submitter. Criteria: Invitae Variant Classification Sherloc (09022015). Collection method: clinical testing. Allele origin: germline.
Comment: This sequence change replaces aspartic acid, which is acidic and polar, with asparagine, which is neutral and polar, at codon 41 of the AK1 protein (p.Asp41Asn). This variant is not present in population databases (gnomAD no frequency). This variant has not been reported in the literature in individuals affected with AK1-related conditions. An algorithm developed to predict the effect of missense changes on protein structure and function (PolyPhen-2) suggests that this variant is likely to be disruptive. In summary, the available evidence is currently insufficient to determine the role of this variant in disease. Therefore, it has been classified as a Variant of Uncertain Significance.